The following is an entry in ClinVar:

ClinVar aggregate classification (germline): Uncertain significance (1 of 4 stars; one submission).

Conditions:
Rhabdoid tumor predisposition syndrome 2 (RTPS2). Identifiers: Orphanet 231108, Orphanet 69077, MedGen C2750074, MONDO:0013224, OMIM 613325.

Submission:

Labcorp Genetics (formerly Invitae), Labcorp
Classification: Uncertain significance for Rhabdoid tumor predisposition syndrome 2. Last evaluated: 2018-11-29. Review status: criteria provided, single submitter. Criteria: Invitae Variant Classification Sherloc (09022015). Collection method: clinical testing. Allele origin: germline.
Comment: This sequence change replaces serine with phenylalanine at codon 1652 of the SMARCA4 protein (p.Ser1652Phe). The serine residue is highly conserved and there is a large physicochemical difference between serine and phenylalanine. This variant is not present in population databases (ExAC no frequency). This variant has not been reported in the literature in individuals with SMARCA4-related disease. Algorithms developed to predict the effect of missense changes on protein structure and function are either unavailable or do not agree on the potential impact of this missense change (SIFT: "Deleterious"; PolyPhen-2: "Benign"; Align-GVGD: "Class C15"). In summary, the available evidence is currently insufficient to determine the role of this variant in disease. Therefore, it has been classified as a Variant of Uncertain Significance.

NM_003072.5(SMARCA4):c.4859C>T (p.Ser1620Phe)

Gene: SMARCA4 (SWI/SNF related BAF chromatin remodeling complex subunit ATPase 4; plus strand). Cytogenetic location: 19p13.2.
Variant type: single nucleotide variant.
Coding change: c.4859C>T on transcript NM_003072.5 (MANE Select); coding-DNA position 4859, C replaced by T.
Protein change: p.Ser1620Phe; replaces serine 1620 with phenylalanine.
Molecular consequence: missense variant. On other transcripts: non-coding transcript variant (1).
Genome position (GRCh38, 1-based): chr19:11,060,135, C>T. VCF-style: chr19-11060135-C-T. GRCh37 (hg19) VCF-style: chr19-11170811-C-T.
Other names: c.4859C>T, p.Ser1620Phe (NM_001128844.3); c.4769C>T, p.Ser1590Phe (NM_001128845.2); c.4766C>T, p.Ser1589Phe (NM_001128846.2); c.4760C>T, p.Ser1587Phe (NM_001128847.4, NM_001374457.1); c.4757C>T, p.Ser1586Phe (NM_001128848.2); c.4955C>T, p.Ser1652Phe (NM_001128849.3, NM_001387283.1); short protein forms S1590F, S1587F, S1620F, S1589F, S1652F, S1586F.
Identifiers: ClinVar variation 665169 (VCV000665169.8), dbSNP rs1600649021, ClinGen allele CA404080761.